The following is an entry in ClinVar:

ClinVar aggregate classification (germline): Pathogenic (1 of 4 stars; one submission).

Conditions:
Cohen syndrome (COH1). Also called: PEPPER SYNDROME; Cutis verticis gyrata, retinitis pigmentosa, and sensorineural deafness. Identifiers: Orphanet 193, MedGen C0265223, MONDO:0008999, OMIM 216550.

Submission:

Labcorp Genetics (formerly Invitae), Labcorp
Classification: Pathogenic for Cohen syndrome. Last evaluated: 2018-03-09. Review status: criteria provided, single submitter. Criteria: Invitae Variant Classification Sherloc (09022015). Collection method: clinical testing. Allele origin: germline.
Comment: This variant is an out-of-frame deletion of the genomic region encompassing exons 7-17 of the VPS13B gene. This is expected to create a premature translational stop signal and result in an absent or disrupted protein product. This variant has not been reported in the literature in individuals with VPS13B-related disease. Loss-of-function variants in VPS13B are known to be pathogenic (PMID: 15141358, 16648375, 20461111). For these reasons, this variant has been classified as Pathogenic.

NC_000008.11:g.(?_99115680)_(99193077_?)del

Gene: VPS13B (vacuolar protein sorting 13 homolog B; plus strand). Cytogenetic location: 8q22.2.
Variant type: Deletion.
Identifiers: ClinVar variation 583454 (VCV000583454.1).